The following is an entry in ClinVar:

ClinVar aggregate classification (germline): Likely benign. Review status: criteria provided, multiple submitters, no conflicts (2 of 4 stars). 2 submissions from 2 submitters: Likely benign (2). Last evaluated 2018-06-14.

Allele frequency attached by ClinVar (database versions not stated): gnomAD 0.01024 and 0.01081; TOPMed 0.01095; 1000 Genomes Project 0.01198; 1000 Genomes Project 30x 0.01202.
gnomAD v4.1: 3,734 of 820,320 alleles (0.46%); highest among the groups gnomAD compares: African/African-American, 2.8%; 35 homozygotes.

Submissions (2):

GeneDx
Classification: Likely benign. Last evaluated: 2018-06-14. Review status: criteria provided, single submitter. Criteria: GeneDx Variant Classification (06012015). Collection method: clinical testing. Allele origin: germline. Affected: yes.
Comment: This variant is considered likely benign or benign based on one or more of the following criteria: it is a conservative change, it occurs at a poorly conserved position in the protein, it is predicted to be benign by multiple in silico algorithms, and/or has population frequency not consistent with disease.

Breakthrough Genomics
Classification: Likely benign. Review status: criteria provided, single submitter. Criteria: ACMG Guidelines, 2015. Collection method: not provided. Allele origin: germline. Inheritance: Autosomal dominant inheritance. Affected: yes.

NM_006939.4(SOS2):c.714+95G>A

Gene: SOS2 (SOS Ras/Rho guanine nucleotide exchange factor 2; minus strand). Cytogenetic location: 14q21.3.
Variant type: single nucleotide variant.
Coding change: c.714+95G>A on transcript NM_006939.4 (MANE Select); 95 bases into the intron after coding-DNA position 714, G replaced by A.
Molecular consequence: intron variant.
Genome position (GRCh38, 1-based): chr14:50,188,402, C>T on the plus strand (G>A on the coding strand, the complement: SOS2 is on the minus strand). VCF-style: chr14-50188402-C-T. GRCh37 (hg19) VCF-style: chr14-50655120-C-T.
Identifiers: ClinVar variation 561641 (VCV000561641.2), dbSNP rs144846115, ClinGen allele CA260713073.